The following is an entry in ClinVar:

NM_002772.3(TMPRSS15):c.1838del (p.Thr613fs)

Gene: TMPRSS15 (transmembrane serine protease 15; minus strand). Cytogenetic location: 21q21.1.
Variant type: Deletion.
Coding change: c.1838del on transcript NM_002772.3 (MANE Select); coding-DNA position 1838, one base deleted (C; older notation c.1838delC).
Protein change: p.Thr613fs; shifts the reading frame from threonine 613.
Molecular consequence: frameshift variant.
Genome position (GRCh38, 1-based): chr21:18,326,515, G deleted on the plus strand (C on the coding strand, the reverse complement: TMPRSS15 is on the minus strand). VCF-style (leftmost placement, unchanged base first): chr21-18326514-AG-A. GRCh37 (hg19) VCF-style: chr21-19698831-AG-A.
Other names: c.1973del, p.Thr658fs (NM_001428056.1); c.1838del, p.Thr613fs (NM_001428057.1); short protein forms T613fs, T658fs.
Identifiers: ClinVar variation 3685168 (VCV003685168.2).

ClinVar aggregate classification (germline): Pathogenic (1 of 4 stars; one submission).

Submission:

Labcorp Genetics (formerly Invitae), Labcorp
Classification: Pathogenic. Last evaluated: 2025-01-27. Review status: criteria provided, single submitter. Criteria: Invitae Variant Classification Sherloc (09022015). Collection method: clinical testing. Allele origin: germline.
Comment: This sequence change creates a premature translational stop signal (p.Thr613Metfs*47) in the TMPRSS15 gene. It is expected to result in an absent or disrupted protein product. Loss-of-function variants in TMPRSS15 are known to be pathogenic (PMID: 11719902). This variant is not present in population databases (gnomAD no frequency). This variant has not been reported in the literature in individuals affected with TMPRSS15-related conditions. For these reasons, this variant has been classified as Pathogenic.

Literature cited by the submitters: PubMed 11719902.